The following is an entry in ClinVar:

ClinVar aggregate classification (germline): Pathogenic (1 of 4 stars; one submission).

Conditions:
Spastic paraplegia. Identifiers: MedGen C0037772, HP:0001258.

Submission:

Labcorp Genetics (formerly Invitae), Labcorp
Classification: Pathogenic for Spastic paraplegia. Last evaluated: 2025-05-08. Review status: criteria provided, single submitter. Criteria: Invitae Variant Classification Sherloc (09022015). Collection method: clinical testing. Allele origin: germline.
Comment: This sequence change creates a premature translational stop signal (p.Tyr955*) in the L1CAM gene. It is expected to result in an absent or disrupted protein product. Loss-of-function variants in L1CAM are known to be pathogenic (PMID: 19846429). This variant is not present in population databases (gnomAD no frequency). This premature translational stop signal has been observed in individual(s) with L1CAM-related conditions (PMID: 32128973). For these reasons, this variant has been classified as Pathogenic.

Literature cited by the submitters: PubMed 19846429; PubMed 32128973.

NM_001278116.2(L1CAM):c.2865C>A (p.Tyr955Ter)

Gene: L1CAM (L1 cell adhesion molecule; minus strand). Cytogenetic location: Xq28.
Variant type: single nucleotide variant.
Coding change: c.2865C>A on transcript NM_001278116.2 (MANE Select); coding-DNA position 2865, C replaced by A.
Protein change: p.Tyr955Ter; replaces tyrosine 955 with a stop codon.
Molecular consequence: nonsense.
Genome position (GRCh38, 1-based): chrX:153,865,095, G>T on the plus strand (C>A on the coding strand, the complement: L1CAM is on the minus strand). VCF-style: chrX-153865095-G-T. GRCh37 (hg19) VCF-style: chrX-153130550-G-T.
Other names: c.2865C>A, p.Tyr955Ter (NM_000425.5, NM_024003.3); c.2850C>A, p.Tyr950Ter (NM_001143963.2); short protein forms Y955*, Y950*.
Identifiers: ClinVar variation 4710859 (VCV004710859.1).